The following is an entry in ClinVar:

ClinVar aggregate classification (germline): Benign (0 of 4 stars; one submission).

Conditions:
HSPA1L-related disorder. Also called: HSPA1L-related condition.

Allele frequency attached by ClinVar (database versions not stated): ESP Exome Variant Server 0.23935; TOPMed 0.24994; 1000 Genomes Project 30x 0.25094; gnomAD 0.25496; 1000 Genomes Project 0.25519; gnomAD exomes 0.31799; ExAC 0.32905.
gnomAD v4.1: 475,049 of 1,526,028 alleles (31%); highest among the groups gnomAD compares: East Asian, 44%; 78,497 homozygotes.

Submission:

PreventionGenetics, part of Exact Sciences
Classification: Benign for HSPA1L-related condition. Last evaluated: 2019-10-18. Review status: no assertion criteria provided. Collection method: clinical testing. Allele origin: germline.
Comment: This variant is classified as benign based on ACMG/AMP sequence variant interpretation guidelines (Richards et al. 2015 PMID: 25741868, with internal and published modifications).

NM_005527.4(HSPA1L):c.1804G>A (p.Glu602Lys)

Gene: HSPA1L (heat shock protein family A (Hsp70) member 1 like; minus strand). Cytogenetic location: 6p21.33.
Variant type: single nucleotide variant.
Coding change: c.1804G>A on transcript NM_005527.4 (MANE Select); coding-DNA position 1804, G replaced by A.
Protein change: p.Glu602Lys; replaces glutamic acid 602 with lysine.
Molecular consequence: missense variant.
Genome position (GRCh38, 1-based): chr6:31,810,169, C>T on the plus strand (G>A on the coding strand, the complement: HSPA1L is on the minus strand). VCF-style: chr6-31810169-C-T. GRCh37 (hg19) VCF-style: chr6-31777946-C-T.
Other names: short protein forms E602K.
Identifiers: ClinVar variation 3059263 (VCV003059263.2), dbSNP rs2075800, ClinGen allele CA3723836.
Genomic context (GRCh38, chr6:31,810,169, plus strand): 5'-AGGCAGGCCCAGTGCATCCTCCTTGGTAGAGTTTTGTGATGATAGGGTTACACATCTGCT[C>T]CAATTCCTTTCTCTTATGATCAAACTCATCTTTCTCTGCCAGTTGATTGACCTCCAGCCA-3'
Protein context (NP_005518.3, residues 592-612): DEFDHKRKEL[Glu602Lys]QMCNPIITKL